The following is an entry in ClinVar:

NM_001013838.3(CARMIL2):c.362G>C (p.Arg121Pro)

Gene: CARMIL2 (capping protein regulator and myosin 1 linker 2; plus strand). Cytogenetic location: 16q22.1.
Variant type: single nucleotide variant.
Coding change: c.362G>C on transcript NM_001013838.3 (MANE Select); coding-DNA position 362, G replaced by C.
Protein change: p.Arg121Pro; replaces arginine 121 with proline.
Molecular consequence: missense variant.
Genome position (GRCh38, 1-based): chr16:67,646,298, G>C. VCF-style: chr16-67646298-G-C. GRCh37 (hg19) VCF-style: chr16-67680201-G-C.
Other names: c.362G>C, p.Arg121Pro (NM_001317026.3); short protein forms R121P.
Identifiers: ClinVar variation 1469969 (VCV001469969.8), dbSNP rs755572102, ClinGen allele CA396331017.
Genomic context (GRCh38, chr16:67,646,298, plus strand): 5'-TGGCCGCCCTGGAACAGCTGGCCCAGCACGTGGCTGCAGCCATCAAGAAGGTCTTCCCTC[G>C]CTCGACCCTTGGGTGAGGCCTGGCAAATTCGAGGGGCTGGCAGGGGAGGAGGGAGTGCAT-3'
Protein context (NP_001013860.1, residues 111-131): VAAAIKKVFP[Arg121Pro]STLGKLFRRP

ClinVar aggregate classification (germline): Uncertain significance (1 of 4 stars; one submission).

Submission:

Labcorp Genetics (formerly Invitae), Labcorp
Classification: Uncertain significance. Last evaluated: 2024-07-29. Review status: criteria provided, single submitter. Criteria: Invitae Variant Classification Sherloc (09022015). Collection method: clinical testing. Allele origin: germline.
Comment: This sequence change replaces arginine, which is basic and polar, with proline, which is neutral and non-polar, at codon 121 of the CARMIL2 protein (p.Arg121Pro). This variant is not present in population databases (gnomAD no frequency). This variant has not been reported in the literature in individuals affected with CARMIL2-related conditions. ClinVar contains an entry for this variant (Variation ID: 1469969). Advanced modeling of protein sequence and biophysical properties (such as structural, functional, and spatial information, amino acid conservation, physicochemical variation, residue mobility, and thermodynamic stability) performed at Invitae indicates that this missense variant is not expected to disrupt CARMIL2 protein function with a negative predictive value of 80%. Algorithms developed to predict the effect of sequence changes on RNA splicing suggest that this variant may create or strengthen a splice site. In summary, the available evidence is currently insufficient to determine the role of this variant in disease. Therefore, it has been classified as a Variant of Uncertain Significance.